The following is an entry in ClinVar:

ClinVar aggregate classification (germline): Uncertain significance (1 of 4 stars; one submission).

Conditions:
Dyskeratosis congenita. Identifiers: Orphanet 1775, MedGen C0265965, MONDO:0015780.

Submission:

Ambry Genetics
Classification: Uncertain significance for Dyskeratosis congenita. Last evaluated: 2025-05-22. Review status: criteria provided, single submitter. Criteria: Ambry Variant Classification Scheme 2023. Collection method: clinical testing. Allele origin: germline.
Comment: The p.N399K variant (also known as c.1197C>G), located in coding exon 2 of the TERT gene, results from a C to G substitution at nucleotide position 1197. The asparagine at codon 399 is replaced by lysine, an amino acid with similar properties. This amino acid position is conserved. In addition, the in silico prediction for this alteration is inconclusive. Based on the available evidence, the clinical significance of this variant remains unclear.

NM_198253.3(TERT):c.1197C>G (p.Asn399Lys)

Gene: TERT (telomerase reverse transcriptase; minus strand). Cytogenetic location: 5p15.33.
Variant type: single nucleotide variant.
Coding change: c.1197C>G on transcript NM_198253.3 (MANE Select); coding-DNA position 1197, C replaced by G.
Protein change: p.Asn399Lys; replaces asparagine 399 with lysine.
Molecular consequence: missense variant. On other transcripts: non-coding transcript variant (2).
Genome position (GRCh38, 1-based): chr5:1,293,689, G>C on the plus strand (C>G on the coding strand, the complement: TERT is on the minus strand). VCF-style: chr5-1293689-G-C. GRCh37 (hg19) VCF-style: chr5-1293804-G-C.
Other names: c.1197C>G, p.Asn399Lys (NM_001193376.3); short protein forms N399K.
Identifiers: ClinVar variation 3967373 (VCV003967373.1).
Genomic context (GRCh38, chr5:1,293,689, plus strand): 5'-GACCGCAGCTCGCAGCGGGCAGTGCGTCTTGAGGAGCACCCCGTAGGGGCACTGCGCGTG[G>C]TTCCCAAGCAGCTCCAGAAACAGGGGCCGCATTTGCCAGTAGCGCTGGGGCAGGCGGGGC-3'
Protein context (NP_937983.2, residues 389-409): MRPLFLELLG[Asn399Lys]HAQCPYGVLL